The following is an entry in ClinVar:

ClinVar aggregate classification (germline): Benign/Likely benign. Review status: criteria provided, multiple submitters, no conflicts (2 of 4 stars). 7 submissions from 7 submitters: Benign (4); Likely benign (1). 2 of the submissions do not count toward it. Last evaluated 2026-02-04.

Conditions:
Sucrase-isomaltase deficiency (CSID). Also called: Congenital sucrose isomaltose malabsorption; Sucrose isomaltose enzyme deficiency; SI DEFICIENCY; Deficiency of isomaltase. Identifiers: Orphanet 35122, MedGen C1283620, MONDO:0009114, OMIM 222900.

Allele frequency attached by ClinVar (database versions not stated): 1000 Genomes Project 30x 0.19878; 1000 Genomes Project 0.19948; gnomAD exomes 0.24757 and 0.28138; TOPMed 0.25110; ExAC 0.25506; gnomAD 0.25933 and 0.26247; ESP Exome Variant Server 0.26908.
gnomAD v4.1: 438,335 of 1,572,826 alleles (28%); highest among the groups gnomAD compares: Non-Finnish European, 30%; 64,846 homozygotes.

Submissions (7):

Labcorp Genetics (formerly Invitae), Labcorp
Classification: Benign. Last evaluated: 2026-02-04. Review status: criteria provided, single submitter. Criteria: Invitae Variant Classification Sherloc (09022015). Collection method: clinical testing. Allele origin: germline.

Blueprint Genetics
Classification: Likely benign. Last evaluated: 2024-11-26. Review status: criteria provided, single submitter. Criteria: ACMG Guidelines, 2015. Collection method: clinical testing. Allele origin: germline.

Genome-Nilou Lab
Classification: Benign for Sucrase-isomaltase deficiency. Last evaluated: 2021-07-15. Review status: criteria provided, single submitter. Criteria: ACMG Guidelines, 2015. Collection method: clinical testing. Allele origin: germline. Affected: no.

Illumina Laboratory Services, Illumina
Classification: Benign for Sucrase-isomaltase deficiency. Last evaluated: 2018-01-13. Review status: criteria provided, single submitter. Criteria: ICSL Variant Classification Criteria 13 December 2019. Collection method: clinical testing. Allele origin: germline.
Comment: This variant was observed in the ICSL laboratory as part of a predisposition screen in an ostensibly healthy population. It had not been previously curated by ICSL or reported in the Human Gene Mutation Database (HGMD: prior to June 1st, 2018), and was therefore a candidate for classification through an automated scoring system. Utilizing variant allele frequency, disease prevalence and penetrance estimates, and inheritance mode, an automated score was calculated to assess if this variant is too frequent to cause the disease. Based on the score and internal cut-off values, a variant classified as benign is not then subjected to further curation. The score for this variant resulted in a classification of benign for this disease.

Breakthrough Genomics
Classification: Benign. Review status: criteria provided, single submitter. Criteria: ACMG Guidelines, 2015. Collection method: not provided. Allele origin: germline. Inheritance: Autosomal recessive inheritance. Affected: yes.

Diagnostic Laboratory, Department of Genetics, University Medical Center Groningen
Classification: Benign. Review status: no assertion criteria provided. Collection method: clinical testing. Allele origin: germline. Affected: yes. Study: VKGL Data-share Consensus. Not counted in ClinVar's aggregate classification.

Joint Genome Diagnostic Labs from Nijmegen and Maastricht, Radboudumc and MUMC+
Classification: Benign. Review status: no assertion criteria provided. Collection method: clinical testing. Allele origin: germline. Affected: yes. Study: VKGL Data-share Consensus. Not counted in ClinVar's aggregate classification.

NM_001041.4(SI):c.43G>T (p.Val15Phe)

Gene: SI (sucrase-isomaltase; minus strand). Cytogenetic location: 3q26.1.
Variant type: single nucleotide variant.
Coding change: c.43G>T on transcript NM_001041.4 (MANE Select); coding-DNA position 43, G replaced by T.
Protein change: p.Val15Phe; replaces valine 15 with phenylalanine.
Molecular consequence: missense variant.
Genome position (GRCh38, 1-based): chr3:165,075,970, C>A on the plus strand (G>T on the coding strand, the complement: SI is on the minus strand). VCF-style: chr3-165075970-C-A. GRCh37 (hg19) VCF-style: chr3-164793758-C-A.
Other names: short protein forms V15F.
Identifiers: ClinVar variation 344075 (VCV000344075.23), dbSNP rs9290264, ClinGen allele CA2691654.